The following is an entry in ClinVar:

ClinVar aggregate classification (germline): Uncertain significance (1 of 4 stars; one submission).

Conditions:
Alstrom syndrome (ALMS). Identifiers: Orphanet 64, MedGen C0268425, MONDO:0008763, OMIM 203800.

gnomAD v4.1: 2 of 1,613,972 alleles (0.00012%); highest among the groups gnomAD compares: South Asian, 0.0011%; no homozygotes.

Submission:

Labcorp Genetics (formerly Invitae), Labcorp
Classification: Uncertain significance for Alstrom syndrome. Last evaluated: 2022-03-28. Review status: criteria provided, single submitter. Criteria: Invitae Variant Classification Sherloc (09022015). Collection method: clinical testing. Allele origin: germline.
Comment: In summary, the available evidence is currently insufficient to determine the role of this variant in disease. Therefore, it has been classified as a Variant of Uncertain Significance. Experimental studies and prediction algorithms are not available or were not evaluated, and the functional significance of this variant is currently unknown. This variant has not been reported in the literature in individuals affected with ALMS1-related conditions. This variant is present in population databases (no rsID available, gnomAD 0.003%). This sequence change replaces alanine, which is neutral and non-polar, with serine, which is neutral and polar, at codon 604 of the ALMS1 protein (p.Ala604Ser).

NM_001378454.1(ALMS1):c.1807G>T (p.Ala603Ser)

Gene: ALMS1 (ALMS1 centrosome and basal body associated protein; plus strand). Cytogenetic location: 2p13.1.
Variant type: single nucleotide variant.
Coding change: c.1807G>T on transcript NM_001378454.1 (MANE Select); coding-DNA position 1807, G replaced by T.
Protein change: p.Ala603Ser; replaces alanine 603 with serine.
Molecular consequence: missense variant.
Genome position (GRCh38, 1-based): chr2:73,448,334, G>T. VCF-style: chr2-73448334-G-T. GRCh37 (hg19) VCF-style: chr2-73675461-G-T.
Other names: c.1810G>T, p.Ala604Ser (NM_015120.4); short protein forms A603S, A604S.
Identifiers: ClinVar variation 2170965 (VCV002170965.4), dbSNP rs745501026, ClinGen allele CA347265473.